The following is an entry in ClinVar:

NM_000051.4(ATM):c.6724T>A (p.Ser2242Thr)

Genes: ATM (ATM serine/threonine kinase; plus strand), C11orf65 (chromosome 11 open reading frame 65; minus strand). Cytogenetic location: 11q22.3.
Variant type: single nucleotide variant.
Coding change: c.6724T>A on transcript NM_000051.4 (MANE Select); coding-DNA position 6724, T replaced by A.
Protein change: p.Ser2242Thr; replaces serine 2242 with threonine.
Molecular consequence: missense variant. On other transcripts: intron variant (2).
Genome position (GRCh38, 1-based): chr11:108,325,461, T>A. VCF-style: chr11-108325461-T-A. GRCh37 (hg19) VCF-style: chr11-108196188-T-A.
Other names: c.6724T>A, p.Ser2242Thr (NM_001351834.2); c.641-16390A>T (NM_001330368.2); c.*38+9759A>T (NM_001351110.2); short protein forms S2242T.
Identifiers: ClinVar variation 1416839 (VCV001416839.9), dbSNP rs1309164461, ClinGen allele CA382555089.

ClinVar aggregate classification (germline): Uncertain significance. Review status: criteria provided, multiple submitters, no conflicts (2 of 4 stars). 2 submissions from 2 submitters: Uncertain significance (2). Last evaluated 2023-09-04.

Conditions:
Ataxia-telangiectasia syndrome (AT). Also called: Ataxia-telangiectasia; LOUIS-BAR SYNDROME; Ataxia-telangiectasia, complementation group D; AT, COMPLEMENTATION GROUP C; ATAXIA-TELANGIECTASIA, COMPLEMENTATION GROUP A; ATAXIA-TELANGIECTASIA, FRESNO VARIANT. Identifiers: Orphanet 100, MedGen C0004135, MONDO:0008840, OMIM 208900.
Hereditary cancer-predisposing syndrome. Also called: Tumor predisposition; Neoplastic Syndromes, Hereditary; Hereditary Cancer Syndrome; Hereditary neoplastic syndrome. Identifiers: Orphanet 140162, MedGen C0027672, MeSH D009386, MONDO:0015356.

Submissions (2):

Ambry Genetics
Classification: Uncertain significance for Hereditary cancer-predisposing syndrome. Last evaluated: 2023-09-04. Review status: criteria provided, single submitter. Criteria: Ambry Variant Classification Scheme 2023. Collection method: clinical testing. Allele origin: germline.
Comment: The p.S2242T variant (also known as c.6724T>A), located in coding exon 45 of the ATM gene, results from a T to A substitution at nucleotide position 6724. The serine at codon 2242 is replaced by threonine, an amino acid with similar properties. This amino acid position is conserved. In addition, this alteration is predicted to be tolerated by in silico analysis. Since supporting evidence is limited at this time, the clinical significance of this alteration remains unclear.

Labcorp Genetics (formerly Invitae), Labcorp
Classification: Uncertain significance for Ataxia-telangiectasia syndrome. Last evaluated: 2021-05-27. Review status: criteria provided, single submitter. Criteria: Invitae Variant Classification Sherloc (09022015). Collection method: clinical testing. Allele origin: germline.
Comment: This variant is not present in population databases (ExAC no frequency). This sequence change replaces serine with threonine at codon 2242 of the ATM protein (p.Ser2242Thr). The serine residue is weakly conserved and there is a small physicochemical difference between serine and threonine. This variant has not been reported in the literature in individuals with ATM-related conditions. Advanced modeling of protein sequence and biophysical properties (such as structural, functional, and spatial information, amino acid conservation, physicochemical variation, residue mobility, and thermodynamic stability) performed at Invitae indicates that this missense variant is not expected to disrupt ATM protein function. In summary, the available evidence is currently insufficient to determine the role of this variant in disease. Therefore, it has been classified as a Variant of Uncertain Significance.